The following is an entry in ClinVar:

ClinVar aggregate classification (germline): Uncertain significance. Review status: criteria provided, multiple submitters, no conflicts (2 of 4 stars). 2 submissions from 2 submitters: Uncertain significance (2). Last evaluated 2025-07-23.

Conditions:
Ehlers-Danlos syndrome, type 4 (EDSVASC). Also called: Ehlers-Danlos Syndrome Type IV; Ehlers-Danlos syndrome vascular type; Ehlers Danlos syndrome, ecchymotic type; Ehlers Danlos syndrome, arterial type; Ehlers Danlos syndrome, Sack-Barabas type. Identifiers: Orphanet 286, MedGen C0268338, MONDO:0017314, OMIM 130050.
Familial thoracic aortic aneurysm and aortic dissection (TAAD). Also called: Thoracic aortic aneurysms and dissections. Identifiers: Orphanet 91387, MedGen C4707243, MONDO:0019625.

Allele frequency attached by ClinVar (database versions not stated): gnomAD exomes below 0.00001; TOPMed below 0.00001.
gnomAD v4.1: 3 of 1,613,986 alleles (0.00019%); highest among the groups gnomAD compares: Non-Finnish European, 0.00017%; no homozygotes.

Submissions (2):

Labcorp Genetics (formerly Invitae), Labcorp
Classification: Uncertain significance for Ehlers-Danlos syndrome, type 4. Last evaluated: 2025-07-23. Review status: criteria provided, single submitter. Criteria: Invitae Variant Classification Sherloc (09022015). Collection method: clinical testing. Allele origin: germline.
Comment: This sequence change falls in intron 39 of the COL3A1 gene. It does not directly change the encoded amino acid sequence of the COL3A1 protein. It affects a nucleotide within the consensus splice site. This variant is not present in population databases (gnomAD no frequency). This variant has not been reported in the literature in individuals affected with COL3A1-related conditions. ClinVar contains an entry for this variant (Variation ID: 921256). Variants that disrupt the consensus splice site are a relatively common cause of aberrant splicing (PMID: 17576681, 9536098). Algorithms developed to predict the effect of sequence changes on RNA splicing suggest that this variant may disrupt the consensus splice site. In summary, the available evidence is currently insufficient to determine the role of this variant in disease. Therefore, it has been classified as a Variant of Uncertain Significance.

Color Diagnostics, LLC DBA Color Health
Classification: Uncertain significance for Familial thoracic aortic aneurysm and aortic dissection. Last evaluated: 2020-04-06. Review status: criteria provided, single submitter. Criteria: ACMG Guidelines, 2015. Collection method: clinical testing. Allele origin: germline.
Comment: This variant causes a G to A nucleotide substitution at the +5 position of intron 39 of the COL3A1 gene. Splice site prediction tools predict that this variant may have a significant impact on RNA splicing. To our knowledge, functional studies have not been reported for this variant. This variant has not been reported in individuals affected with cardiovascular disorders in the literature. This variant has not been identified in the general population by the Genome Aggregation Database (gnomAD). The available evidence is insufficient to determine the role of this variant in disease conclusively. Therefore, this variant is classified as a Variant of Uncertain Significance.

Literature cited by the submitters: PubMed 17576681 (cited by Labcorp Genetics (formerly Invitae), Labcorp); PubMed 9536098 (cited by Labcorp Genetics (formerly Invitae), Labcorp).

NM_000090.4(COL3A1):c.2823+5G>A

Gene: COL3A1 (collagen type III alpha 1 chain; plus strand). Cytogenetic location: 2q32.2.
Variant type: single nucleotide variant.
Coding change: c.2823+5G>A on transcript NM_000090.4 (MANE Select); 5 bases into the intron after coding-DNA position 2823, G replaced by A.
Molecular consequence: intron variant.
Genome position (GRCh38, 1-based): chr2:189,004,148, G>A. VCF-style: chr2-189004148-G-A. GRCh37 (hg19) VCF-style: chr2-189868874-G-A.
Identifiers: ClinVar variation 921256 (VCV000921256.4), dbSNP rs1559060755, ClinGen allele CA1139657567.